The following is an entry in ClinVar:

NC_012920.1(MT-ATP8):m.8533G>A

Genes: MT-ATP6 (mitochondrially encoded ATP synthase 6; plus strand), MT-ATP8 (mitochondrially encoded ATP synthase 8; plus strand).
Variant type: single nucleotide variant.
Genome position: chrM-8533-G-A.
Identifiers: ClinVar variation 692889 (VCV000692889.1), dbSNP rs386829039, ClinGen allele CA337097912.

ClinVar aggregate classification (germline): Likely benign (1 of 4 stars; one submission).

Conditions:
Leigh syndrome (NULS). Also called: Leigh's necrotizing encephalopathy; Leigh's disease; Leigh Syndrome (mtDNA deletion); Leigh Disease; Subacute necrotizing encephalopathy; Necrotizing encephalopathy infantile subacute of Leigh. Identifiers: Orphanet 506, MedGen C2931891, MONDO:0009723, OMIM 256000.

Submission:

Wong Mito Lab, Molecular and Human Genetics, Baylor College of Medicine
Classification: Likely benign for Leigh syndrome. Last evaluated: 2019-10-17. Review status: criteria provided, single submitter. Criteria: Modified ACMG Guidelines (Unpublished). Collection method: clinical testing. Allele origin: germline.
Comment: The NC_012920.1:m.8533G>A (YP_003024031.1:p.Glu3Lys) variant in MTATP6 gene is interpretated to be a Likely Benign variant based on the modified ACMG guidelines (unpublished). This variant meets the following evidence codes: BS4, BP5